The following is an entry in ClinVar:

ClinVar aggregate classification (germline): Uncertain significance. Review status: criteria provided, multiple submitters, no conflicts (2 of 4 stars). 4 submissions from 4 submitters: Uncertain significance (4). Last evaluated 2023-12-27.

Conditions:
Kabuki syndrome. Also called: NIIKAWA-KUROKI SYNDROME; Kabuki make-up syndrome. Identifiers: Orphanet 2322, MedGen C0796004, MONDO:0016512.
KMT2D-related disorder. Also called: KMT2D-Related Disorders.

Allele frequency attached by ClinVar (database versions not stated): gnomAD exomes 0.00001.
gnomAD v4.1: 7 of 1,609,958 alleles (0.00043%); highest among the groups gnomAD compares: Non-Finnish European, 0.00059%; no homozygotes.

Submissions (4):

Labcorp Genetics (formerly Invitae), Labcorp
Classification: Uncertain significance for Kabuki syndrome. Last evaluated: 2023-12-27. Review status: criteria provided, single submitter. Criteria: Invitae Variant Classification Sherloc (09022015). Collection method: clinical testing. Allele origin: germline.
Comment: This sequence change replaces leucine, which is neutral and non-polar, with proline, which is neutral and non-polar, at codon 4108 of the KMT2D protein (p.Leu4108Pro). This variant is not present in population databases (gnomAD no frequency). This variant has not been reported in the literature in individuals affected with KMT2D-related conditions. ClinVar contains an entry for this variant (Variation ID: 992345). Advanced modeling of protein sequence and biophysical properties (such as structural, functional, and spatial information, amino acid conservation, physicochemical variation, residue mobility, and thermodynamic stability) has been performed at Invitae for this missense variant, however the output from this modeling did not meet the statistical confidence thresholds required to predict the impact of this variant on KMT2D protein function. In summary, the available evidence is currently insufficient to determine the role of this variant in disease. Therefore, it has been classified as a Variant of Uncertain Significance.

PreventionGenetics, part of Exact Sciences
Classification: Uncertain significance for KMT2D-related condition. Last evaluated: 2023-04-06. Review status: criteria provided, single submitter. Criteria: ACMG Guidelines, 2015. Collection method: clinical testing. Allele origin: germline.
Comment: The KMT2D c.12323T>C variant is predicted to result in the amino acid substitution p.Leu4108Pro. To our knowledge, this variant has not been reported in the literature or in a large population database, indicating this variant is rare. At this time, the clinical significance of this variant is uncertain due to the absence of conclusive functional and genetic evidence.

GeneDx
Classification: Uncertain significance. Last evaluated: 2022-08-12. Review status: criteria provided, single submitter. Criteria: GeneDx Variant Classification Process June 2021. Collection method: clinical testing. Allele origin: germline. Affected: yes.
Comment: Not observed at significant frequency in large population cohorts (gnomAD); In silico analysis supports that this missense variant does not alter protein structure/function; Has not been previously published as pathogenic or benign to our knowledge

Greenwood Genetic Center Diagnostic Laboratories, Greenwood Genetic Center
Classification: Uncertain significance. Last evaluated: 2020-10-22. Review status: criteria provided, single submitter. Criteria: ACMG Guidelines, 2015. Collection method: clinical testing. Allele origin: germline. Affected: yes.

NM_003482.4(KMT2D):c.12323T>C (p.Leu4108Pro)

Gene: KMT2D (lysine methyltransferase 2D; minus strand). Cytogenetic location: 12q13.12.
Variant type: single nucleotide variant.
Coding change: c.12323T>C on transcript NM_003482.4 (MANE Select); coding-DNA position 12323, T replaced by C.
Protein change: p.Leu4108Pro; replaces leucine 4108 with proline.
Molecular consequence: missense variant.
Genome position (GRCh38, 1-based): chr12:49,032,382, A>G on the plus strand (T>C on the coding strand, the complement: KMT2D is on the minus strand). VCF-style: chr12-49032382-A-G. GRCh37 (hg19) VCF-style: chr12-49426165-A-G.
Other names: short protein forms L4108P.
Identifiers: ClinVar variation 992345 (VCV000992345.11), dbSNP rs1942963597, ClinGen allele CA384712158.
Genomic context (GRCh38, chr12:49,032,382, plus strand): 5'-GAGGCCTCAGAAGATGATCCACTGCCTAGCTGCCCATGGCTTCCTCCACCTGCTGTGTGG[A>G]GCAGGCTAACTTGCTGCTGCTGTTGTCCTGGAAGCCTCAGAGGTGGCTGCAGCTGCAGAG-3'
Protein context (NP_003473.3, residues 4098-4118): PGQQQQQVSL[Leu4108Pro]HTAGGGSHGQ